The following is an entry in ClinVar:

ClinVar aggregate classification (germline): Conflicting classifications of pathogenicity. Review status: criteria provided, conflicting classifications (1 of 4 stars). 6 submissions from 6 submitters: Uncertain significance (4); Benign (1); Likely benign (1). Last evaluated 2026-02-02.

Conditions:
Hereditary cancer-predisposing syndrome. Also called: Tumor predisposition; Neoplastic Syndromes, Hereditary; Hereditary Cancer Syndrome; Hereditary neoplastic syndrome. Identifiers: Orphanet 140162, MedGen C0027672, MeSH D009386, MONDO:0015356.
Tuberous sclerosis 2 (TSC2). Identifiers: Orphanet 805, MedGen C1860707, MONDO:0013199, OMIM 613254.
Lymphangiomyomatosis (LAM). Also called: Lymphangioleiomyomatosis, somatic; Lymphangioleiomyomatosis. Identifiers: Orphanet 538, MedGen C0751674, MONDO:0011705, OMIM 606690.
Isolated focal cortical dysplasia type II (FCORD2). Also called: CORTICAL DYSPLASIA OF TAYLOR; Focal cortical dysplasia type II. Identifiers: Orphanet 268994, MedGen C1846385, MONDO:0011818, OMIM 607341, HP:0032051.
Tuberous sclerosis syndrome (TSC). Also called: Tuberous Sclerosis Complex; Tuberous sclerosis. Identifiers: Orphanet 805, MedGen C0041341, MONDO:0001734.

Allele frequency attached by ClinVar (database versions not stated): ExAC 0.00001; gnomAD exomes 0.00001; TOPMed 0.00001.
gnomAD v4.1: 9 of 1,614,218 alleles (0.00056%); highest among the groups gnomAD compares: Non-Finnish European, 0.00059%; no homozygotes.

Submissions (6):

Labcorp Genetics (formerly Invitae), Labcorp
Classification: Benign for Tuberous sclerosis 2. Last evaluated: 2026-02-02. Review status: criteria provided, single submitter. Criteria: Invitae Variant Classification Sherloc (09022015). Collection method: clinical testing. Allele origin: germline.

Ambry Genetics
Classification: Uncertain significance for Hereditary cancer-predisposing syndrome. Last evaluated: 2025-08-28. Review status: criteria provided, single submitter. Criteria: Ambry Variant Classification Scheme 2023. Collection method: clinical testing. Allele origin: germline.
Comment: The p.H385R variant (also known as c.1154A>G), located in coding exon 11 of the TSC2 gene, results from an A to G substitution at nucleotide position 1154. The histidine at codon 385 is replaced by arginine, an amino acid with highly similar properties. This amino acid position is well conserved in available vertebrate species. In addition, this alteration is predicted to be deleterious by in silico analysis. Based on the available evidence, the clinical significance of this variant remains unclear.

St. Jude Molecular Pathology, St. Jude Children's Research Hospital
Classification: Uncertain significance for Tuberous sclerosis 2. Last evaluated: 2024-08-06. Review status: criteria provided, single submitter. Criteria: St. Jude Assertion Criteria 2020. Collection method: clinical testing. Allele origin: germline.
Comment: The TSC2 c.1154A>G (p.His385Arg) missense change has a maximum subpopulation frequency of 0.0009% in gnomAD v2.1.1. The in silico tool REVEL is inconclusive about a pathogenic or benign effect of this variant on protein function, and to our knowledge functional studies have not been performed. To our knowledge, this variant has not been reported in individuals with tuberous sclerosis complex. In summary, the evidence currently available is insufficient to determine the clinical significance of this variant. It has therefore been classified as of uncertain significance.

Fulgent Genetics
Classification: Likely benign for Lymphangiomyomatosis; Isolated focal cortical dysplasia type II; Tuberous sclerosis 2. Last evaluated: 2024-06-19. Review status: criteria provided, single submitter. Criteria: ACMG Guidelines, 2015. Collection method: clinical testing. Allele origin: germline.

All of Us Research Program, National Institutes of Health
Classification: Uncertain significance for Tuberous sclerosis syndrome. Last evaluated: 2023-11-30. Review status: criteria provided, single submitter. Criteria: ACMG Guidelines, 2015. Collection method: clinical testing. Allele origin: germline. Inheritance: Autosomal dominant inheritance. Observed: 2 variant alleles, 2 heterozygotes.
Comment: This missense variant replaces histidine with arginine at codon 385 of the TSC2 protein. Computational prediction is inconclusive regarding the impact of this variant on protein structure and function (internally defined REVEL score threshold 0.5 < inconclusive < 0.7, PMID: 27666373). To our knowledge, functional studies have not been reported for this variant. This variant has not been reported in individuals affected with TSC2-related disorders in the literature. This variant has been identified in 2/251294 chromosomes in the general population by the Genome Aggregation Database (gnomAD). The available evidence is insufficient to determine the role of this variant in disease conclusively. Therefore, this variant is classified as a Variant of Uncertain Significance.

This study involves interpretation of variants in research participants for the purpose of population health screening. Participant phenotype was not available at the time of variant classification. Additional details can be found in publication PMID: 35346344, PMCID: PMC8962531

Genome-Nilou Lab
Classification: Uncertain significance for Tuberous sclerosis 2. Last evaluated: 2021-11-07. Review status: criteria provided, single submitter. Criteria: ACMG Guidelines, 2015. Collection method: clinical testing. Allele origin: germline. Affected: no.

NM_000548.5(TSC2):c.1154A>G (p.His385Arg)

Gene: TSC2 (TSC complex subunit 2; plus strand). Cytogenetic location: 16p13.3.
Variant type: single nucleotide variant.
Coding change: c.1154A>G on transcript NM_000548.5 (MANE Select); coding-DNA position 1154, A replaced by G.
Protein change: p.His385Arg; replaces histidine 385 with arginine.
Molecular consequence: missense variant.
Genome position (GRCh38, 1-based): chr16:2,061,905, A>G. VCF-style: chr16-2061905-A-G. GRCh37 (hg19) VCF-style: chr16-2111906-A-G.
Other names: c.1154A>G, p.His385Arg (NM_001077183.3, NM_001114382.3, NM_001363528.2 and 3 more transcripts); c.1043A>G, p.His348Arg (NM_001318827.2); c.1007A>G, p.His336Arg (NM_001318829.2); c.554A>G, p.His185Arg (NM_001318831.2); c.1187A>G, p.His396Arg (NM_001318832.2); short protein forms H385R, H348R, H396R, H336R, H185R.
Identifiers: ClinVar variation 486691 (VCV000486691.22), dbSNP rs757353933, ClinGen allele CA028650.